The following is an entry in ClinVar:

NM_001080517.3(SETD5):c.2795A>G (p.Asp932Gly)

Gene: SETD5 (SET domain containing 5; plus strand). Cytogenetic location: 3p25.3.
Variant type: single nucleotide variant.
Coding change: c.2795A>G on transcript NM_001080517.3 (MANE Select); coding-DNA position 2795, A replaced by G.
Protein change: p.Asp932Gly; replaces aspartic acid 932 with glycine.
Molecular consequence: missense variant.
Genome position (GRCh38, 1-based): chr3:9,470,529, A>G. VCF-style: chr3-9470529-A-G. GRCh37 (hg19) VCF-style: chr3-9512213-A-G.
Other names: c.2501A>G, p.Asp834Gly (NM_001292043.2, NM_001349451.2); c.2891A>G, p.Asp964Gly (NM_001437633.1); c.2909A>G, p.Asp970Gly (NM_001437635.1); c.2852A>G, p.Asp951Gly (NM_001437643.1); c.2834A>G, p.Asp945Gly (NM_001437701.1); short protein forms D834G, D932G, D945G, D951G, D964G, D970G.
Identifiers: ClinVar variation 4685524 (VCV004685524.1).
Genomic context (GRCh38, chr3:9,470,529, plus strand): 5'-GAAAAGACCTGGATTTGGCAAAAGTAGGATACCTTGACTCCAACACTAACAGCTGTGCTG[A>G]TAGACCTTCCCTACTCAACTCAGGTCATTCTGACCTGGCTCCTCATCCCTCCCTCGGACC-3'
Protein context (NP_001073986.1, residues 922-942): YLDSNTNSCA[Asp932Gly]RPSLLNSGHS

ClinVar aggregate classification (germline): Likely benign (1 of 4 stars; one submission).

Conditions:
Intellectual disability-facial dysmorphism syndrome due to SETD5 haploinsufficiency (MRD23). Also called: Intellectual developmental disorder, autosomal dominant 23. Identifiers: Orphanet 404440, MedGen C3810406, MONDO:0014336, OMIM 615761.

gnomAD v4.1: 4 of 1,613,978 alleles (0.00025%); highest among the groups gnomAD compares: South Asian, 0.0044%; no homozygotes.

Submission:

Centre for Medical Genetics,  Mumbai
Classification: Likely benign for Intellectual disability-facial dysmorphism syndrome due to SETD5 haploinsufficiency. Last evaluated: 2025-12-31. Review status: criteria provided, single submitter. Criteria: ACMG Guidelines, 2015. Collection method: provider interpretation. Allele origin: germline. Inheritance: Autosomal dominant inheritance. Affected: no. Observed: 1 heterozygote.
Comment: The variant satisfies PM2 criteria: absent in gnomAD.

Literature cited by the submitters: PubMed 24680889.